The following is an entry in ClinVar:

ClinVar aggregate classification (germline): Uncertain significance (1 of 4 stars; one submission).

Conditions:
Welander distal myopathy (WDM). Also called: MUSCULAR DYSTROPHY, DISTAL, LATE-ONSET, AUTOSOMAL DOMINANT; Gower's muscular dystrophy; Welander distal myopathy, Swedish type; Distal myopathy, Swedish type. Identifiers: Orphanet 603, MedGen C0221054, MONDO:0011466, OMIM 604454.

Allele frequency attached by ClinVar (database versions not stated): gnomAD exomes below 0.00001; TOPMed below 0.00001.
gnomAD v4.1: 6 of 1,592,276 alleles (0.00038%); highest among the groups gnomAD compares: Non-Finnish European, 0.00051%; no homozygotes.

Submission:

Labcorp Genetics (formerly Invitae), Labcorp
Classification: Uncertain significance for Welander distal myopathy. Last evaluated: 2023-09-20. Review status: criteria provided, single submitter. Criteria: Invitae Variant Classification Sherloc (09022015). Collection method: clinical testing. Allele origin: germline.
Comment: In summary, the available evidence is currently insufficient to determine the role of this variant in disease. Therefore, it has been classified as a Variant of Uncertain Significance. Advanced modeling of protein sequence and biophysical properties (such as structural, functional, and spatial information, amino acid conservation, physicochemical variation, residue mobility, and thermodynamic stability) performed at Invitae indicates that this missense variant is not expected to disrupt TIA1 protein function. This variant has not been reported in the literature in individuals affected with TIA1-related conditions. This variant is not present in population databases (gnomAD no frequency). This sequence change replaces methionine, which is neutral and non-polar, with isoleucine, which is neutral and non-polar, at codon 230 of the TIA1 protein (p.Met230Ile).

NM_022173.4(TIA1):c.690G>A (p.Met230Ile)

Gene: TIA1 (TIA1 cytotoxic granule associated RNA binding protein; minus strand). Cytogenetic location: 2p13.3.
Variant type: single nucleotide variant.
Coding change: c.690G>A on transcript NM_022173.4 (MANE Select); coding-DNA position 690, G replaced by A.
Protein change: p.Met230Ile; replaces methionine 230 with isoleucine.
Molecular consequence: missense variant. On other transcripts: non-coding transcript variant (17).
Genome position (GRCh38, 1-based): chr2:70,216,282, C>T on the plus strand (G>A on the coding strand, the complement: TIA1 is on the minus strand). VCF-style: chr2-70216282-C-T. GRCh37 (hg19) VCF-style: chr2-70443414-C-T.
Other names: c.690G>A, p.Met230Ile (NM_001351508.2, NM_001351516.2); c.663G>A, p.Met221Ile (NM_001351509.2); c.552G>A, p.Met184Ile (NM_001351512.1); c.546G>A, p.Met182Ile (NM_001351513.1); c.462G>A, p.Met154Ile (NM_001351514.2); c.270G>A, p.Met90Ile (NM_001351517.2, NM_001351524.2, NM_001351525.2); c.657G>A, p.Met219Ile (NM_022037.4, NM_001351510.2); c.387G>A, p.Met129Ile (NM_001351515.2); and 1 more; short protein forms M193I, M182I, M221I, M184I, M219I, M129I, M154I, M230I.
Identifiers: ClinVar variation 2973592 (VCV002973592.3), dbSNP rs939368858, ClinGen allele CA49626410.